The following is an entry in ClinVar:

NM_001042492.3(NF1):c.1153C>G (p.Arg385Gly)

Gene: NF1 (neurofibromin 1; plus strand). Cytogenetic location: 17q11.2.
Variant type: single nucleotide variant.
Coding change: c.1153C>G on transcript NM_001042492.3 (MANE Select); coding-DNA position 1153, C replaced by G.
Protein change: p.Arg385Gly; replaces arginine 385 with glycine.
Molecular consequence: missense variant.
Genome position (GRCh38, 1-based): chr17:31,201,127, C>G. VCF-style: chr17-31201127-C-G. GRCh37 (hg19) VCF-style: chr17-29528145-C-G.
Other names: c.1153C>G, p.Arg385Gly (NM_000267.4, NM_001128147.3); short protein forms R385G.
Identifiers: ClinVar variation 818433 (VCV000818433.4), dbSNP rs1322986962, ClinGen allele CA398997147.

ClinVar aggregate classification (germline): Uncertain significance (1 of 4 stars; one submission).

Conditions:
Cardiovascular phenotype. Identifiers: MedGen CN230736.
Hereditary cancer-predisposing syndrome. Also called: Tumor predisposition; Hereditary neoplastic syndrome; Neoplastic Syndromes, Hereditary; Hereditary Cancer Syndrome. Identifiers: Orphanet 140162, MedGen C0027672, MeSH D009386, MONDO:0015356.

Submission:

Ambry Genetics
Classification: Uncertain significance for Cardiovascular phenotype; Hereditary cancer-predisposing syndrome. Last evaluated: 2019-06-21. Review status: criteria provided, single submitter. Criteria: Ambry Variant Classification Scheme 2023. Collection method: clinical testing. Allele origin: germline.
Comment: The p.R385G variant (also known as c.1153C>G), located in coding exon 10 of the NF1 gene, results from a C to G substitution at nucleotide position 1153. The arginine at codon 385 is replaced by glycine, an amino acid with dissimilar properties. This amino acid position is highly conserved in available vertebrate species. In addition, this alteration is predicted to be deleterious by in silico analysis. Since supporting evidence is limited at this time, the clinical significance of this alteration remains unclear.